The following is an entry in ClinVar:

NM_001909.5(CTSD):c.704+5del

Gene: CTSD (cathepsin D; minus strand). Cytogenetic location: 11p15.5.
Variant type: Deletion.
Coding change: c.704+5del on transcript NM_001909.5 (MANE Select); 5 bases into the intron after coding-DNA position 704, one base deleted (G; older notation c.704+5delG).
Molecular consequence: intron variant.
Genome position (GRCh38, 1-based): chr11:1,757,319, C deleted on the plus strand (G on the coding strand, the reverse complement: CTSD is on the minus strand); the first of 3 consecutive C bases (chr11:1,757,319-1,757,321); deleting any one gives the same sequence. VCF-style (leftmost placement, unchanged base first): chr11-1757318-GC-G. GRCh37 (hg19) VCF-style: chr11-1778548-GC-G.
Identifiers: ClinVar variation 1756840 (VCV001756840.2), dbSNP rs1565021041, ClinGen allele CA597065921.
Genomic context (GRCh38, chr11:1,757,318, plus strand): 5'-AGGCTCCCCGTCCAGCCCCGCCCTGCCTCCCAGCAACGCGGAGCGAGAGGGAACCCACAC[GC>G]CCACCTGCTCAGGTAGAAGGAGAAGATGTTCTGGTCCACCAGCTTCTGCTGCATCAGGTT-3'

ClinVar aggregate classification (germline): Uncertain significance (1 of 4 stars; one submission).

Conditions:
Inborn genetic diseases. Identifiers: MedGen C0950123, MeSH D030342.

Submission:

Ambry Genetics
Classification: Uncertain significance for Inborn genetic diseases. Last evaluated: 2017-09-25. Review status: criteria provided, single submitter. Criteria: Ambry Variant Classification Scheme 2023. Collection method: clinical testing. Allele origin: germline.
Comment: The c.704+5delG intronic variant, located in intron 5 of the CTSD gene, results from a deletion of one nucleotide within intron 5 of the CTSD gene. This nucleotide position is highly conserved in available vertebrate species. Using the BDGP, ESEfinder, HSF, and MaxEnt splice site prediction tools, this alteration is predicted to abolish or weaken the native splice donor site; however, direct evidence is unavailable. Since supporting evidence is limited at this time, the clinical significance of this alteration remains unclear.